The following is an entry in ClinVar:

ClinVar aggregate classification (germline): Likely benign (1 of 4 stars; one submission).

Submission:

CeGaT Center for Human Genetics Tuebingen
Classification: Likely benign. Last evaluated: 2025-08-01. Review status: criteria provided, single submitter. Criteria: CeGaT Center For Human Genetics Tuebingen Variant Classification Criteria Version 2. Collection method: clinical testing. Allele origin: germline. Affected: yes. Observed: 1 variant allele.
Comment: GPC3: PM2:Supporting, BP4, BP7

NM_004484.4(GPC3):c.1338T>C (p.Asn446=)

Gene: GPC3 (glypican 3; minus strand). Cytogenetic location: Xq26.2.
Variant type: single nucleotide variant.
Coding change: c.1338T>C on transcript NM_004484.4 (MANE Select); coding-DNA position 1338, T replaced by C.
Protein change: p.Asn446=; no amino-acid change (asparagine 446 retained).
Molecular consequence: synonymous variant.
Genome position (GRCh38, 1-based): chrX:133,661,805, A>G on the plus strand (T>C on the coding strand, the complement: GPC3 is on the minus strand). VCF-style: chrX-133661805-A-G. GRCh37 (hg19) VCF-style: chrX-132795833-A-G.
Other names: c.1407T>C, p.Asn469= (NM_001164617.2); c.1290T>C, p.Asn430= (NM_001164618.2); c.1176T>C, p.Asn392= (NM_001164619.2).
Identifiers: ClinVar variation 4085801 (VCV004085801.8).